The following is an entry in ClinVar:

NM_000059.4(BRCA2):c.316+1343A>T

Gene: BRCA2 (BRCA2 DNA repair associated; plus strand). Cytogenetic location: 13q13.1.
Variant type: single nucleotide variant.
Coding change: c.316+1343A>T on transcript NM_000059.4 (MANE Select); 1343 bases into the intron after coding-DNA position 316, A replaced by T.
Molecular consequence: intron variant.
Genome position (GRCh38, 1-based): chr13:32,320,668, A>T. VCF-style: chr13-32320668-A-T. GRCh37 (hg19) VCF-style: chr13-32894805-A-T.
Other names: IVS 3+1343A>T.
Identifiers: ClinVar variation 209625 (VCV000209625.1), dbSNP rs141454495, ClinGen allele CA276594.

ClinVar aggregate classification (germline): Benign (3 of 4 stars; one submission).

Conditions:
Breast-ovarian cancer, familial, susceptibility to, 2 (BROVCA2). Also called: BRCA2 Hereditary Breast and Ovarian Cancer. Identifiers: Orphanet 145, MedGen C2675520, MONDO:0012933, OMIM 612555. Disease mechanism: loss of function.

Allele frequency attached by ClinVar (database versions not stated): TOPMed 0.00505; 1000 Genomes Project 30x 0.00562; 1000 Genomes Project 0.00639; gnomAD 0.01145 and 0.01151.
gnomAD v4.1: 1,737 of 152,318 alleles (1.1%); highest among the groups gnomAD compares: South Asian, 1.4%; 42 homozygotes.

Submission:

Evidence-based Network for the Interpretation of Germline Mutant Alleles (ENIGMA)
Classification: Benign for Breast-ovarian cancer, familial 2. Last evaluated: 2015-01-12. Review status: reviewed by expert panel. Criteria: ENIGMA BRCA1/2 Classification Criteria (2015). Collection method: curation. Allele origin: germline.
Comment: Class 1 not pathogenic based on frequency >1% in an outbred sampleset. Frequency 0.02639 (European), derived from 1000 genomes (2012-04-30).